The following is an entry in ClinVar:

NM_005609.4(PYGM):c.1860del (p.Ile621fs)

Gene: PYGM (glycogen phosphorylase, muscle associated; minus strand). Cytogenetic location: 11q13.1.
Variant type: Deletion.
Coding change: c.1860del on transcript NM_005609.4 (MANE Select); coding-DNA position 1860, one base deleted (C; older notation c.1860delC).
Protein change: p.Ile621fs; shifts the reading frame from isoleucine 621.
Molecular consequence: frameshift variant.
Genome position (GRCh38, 1-based): chr11:64,751,434, G deleted on the plus strand (C on the coding strand, the reverse complement: PYGM is on the minus strand). VCF-style (leftmost placement, unchanged base first): chr11-64751433-TG-T. GRCh37 (hg19) VCF-style: chr11-64518905-TG-T.
Other names: c.1596del, p.Ile533fs (NM_001164716.1); c.1860delC (NM_005609.4); short protein forms I533fs, I621fs.
Identifiers: ClinVar variation 3768072 (VCV003768072.1).

ClinVar aggregate classification (germline): Pathogenic (1 of 4 stars; one submission).

Conditions:
Glycogen storage disease, type V (GSD5). Also called: MCARDLE DISEASE; MUSCLE GLYCOGEN PHOSPHORYLASE DEFICIENCY; MYOPHOSPHORYLASE DEFICIENCY; PYGM DEFICIENCY; McArdle type glycogen storage disease. Identifiers: Orphanet 368, MedGen C0017924, MONDO:0009293, OMIM 232600.

Submission:

Women's Health and Genetics/Laboratory Corporation of America, LabCorp
Classification: Pathogenic for Glycogen storage disease, type V. Last evaluated: 2024-12-13. Review status: criteria provided, single submitter. Criteria: LabCorp Variant Classification Summary - May 2015. Collection method: clinical testing. Allele origin: germline.
Comment: Variant summary: PYGM c.1860delC (p.Ile621SerfsX37) results in a premature termination codon, predicted to cause a truncation of the encoded protein or absence of the protein due to nonsense mediated decay, which are commonly known mechanisms for disease. The variant was absent in 251396 control chromosomes. To our knowledge, no occurrence of c.1860delC in individuals affected with Glycogen Storage Disease, Type V and no experimental evidence demonstrating its impact on protein function have been reported. No submitters have cited clinical-significance assessments for this variant to ClinVar. Based on the evidence outlined above, the variant was classified as pathogenic.